The following is an entry in ClinVar:

NM_001197104.2(KMT2A):c.1780T>A (p.Ser594Thr)

Gene: KMT2A (lysine methyltransferase 2A; plus strand). Cytogenetic location: 11q23.3.
Variant type: single nucleotide variant.
Coding change: c.1780T>A on transcript NM_001197104.2 (MANE Select); coding-DNA position 1780, T replaced by A.
Protein change: p.Ser594Thr; replaces serine 594 with threonine.
Molecular consequence: missense variant.
Genome position (GRCh38, 1-based): chr11:118,472,939, T>A. VCF-style: chr11-118472939-T-A. GRCh37 (hg19) VCF-style: chr11-118343654-T-A.
Other names: c.1780T>A, p.Ser594Thr (NM_005933.4); short protein forms S594T.
Identifiers: ClinVar variation 1480889 (VCV001480889.8), dbSNP rs1555036177, ClinGen allele CA382811010.
Genomic context (GRCh38, chr11:118,472,939, plus strand): 5'-CCAGCCTCCAGTATCTCTGACCACACACCTTGGCTTATGCCTCCAACAATCCCCTTAGCA[T>A]CACCATTTTTGCCTGCTTCCACTGCTCCTATGCAAGGGAAGCGAAAATCTATTTTGCGAG-3'
Protein context (NP_001184033.1, residues 584-604): WLMPPTIPLA[Ser594Thr]PFLPASTAPM

ClinVar aggregate classification (germline): Uncertain significance (1 of 4 stars; one submission).

Allele frequency attached by ClinVar (database versions not stated): gnomAD exomes 0.00001.
gnomAD v4.1: 4 of 1,614,012 alleles (0.00025%); highest among the groups gnomAD compares: Admixed American, 0.0067%; no homozygotes.

Submission:

Labcorp Genetics (formerly Invitae), Labcorp
Classification: Uncertain significance. Last evaluated: 2025-02-19. Review status: criteria provided, single submitter. Criteria: Invitae Variant Classification Sherloc (09022015). Collection method: clinical testing. Allele origin: germline.
Comment: This sequence change replaces serine, which is neutral and polar, with threonine, which is neutral and polar, at codon 594 of the KMT2A protein (p.Ser594Thr). This variant is present in population databases (no rsID available, gnomAD 0.006%). This variant has not been reported in the literature in individuals affected with KMT2A-related conditions. ClinVar contains an entry for this variant (Variation ID: 1480889). Invitae Evidence Modeling of protein sequence and biophysical properties (such as structural, functional, and spatial information, amino acid conservation, physicochemical variation, residue mobility, and thermodynamic stability) indicates that this missense variant is not expected to disrupt KMT2A protein function with a negative predictive value of 95%. In summary, the available evidence is currently insufficient to determine the role of this variant in disease. Therefore, it has been classified as a Variant of Uncertain Significance.